The following is an entry in ClinVar:

ClinVar aggregate classification (germline): Uncertain significance (1 of 4 stars; one submission).

Conditions:
Neuropathy, hereditary sensory and autonomic, type 2A (HSAN2A). Also called: HSAN IIA; WNK1-Related HSAN2 (HSAN2A); ACROOSTEOLYSIS, GIACCAI TYPE; ACROOSTEOLYSIS, NEUROGENIC; MORVAN DISEASE; NEUROPATHY, CONGENITAL SENSORY. Identifiers: Orphanet 970, MedGen C2752089, MONDO:0024309, OMIM 201300.
Pseudohypoaldosteronism type 2C (PHA2C). Also called: Pseudohypoaldosteronism Type IIC. Identifiers: Orphanet 757, Orphanet 88940, MedGen C1840391, MONDO:0013778, OMIM 614492.

Allele frequency attached by ClinVar (database versions not stated): TOPMed 0.00002; gnomAD 0.00003.

Submission:

Labcorp Genetics (formerly Invitae), Labcorp
Classification: Uncertain significance for Neuropathy, hereditary sensory and autonomic, type 2A; Pseudohypoaldosteronism type 2C. Last evaluated: 2023-08-16. Review status: criteria provided, single submitter. Criteria: Invitae Variant Classification Sherloc (09022015). Collection method: clinical testing. Allele origin: germline.
Comment: This variant is present in population databases (no rsID available, gnomAD 0.02%). This variant, c.2208_2225dup, results in the insertion of 6 amino acid(s) of the WNK1 protein (p.Leu737_His742dup), but otherwise preserves the integrity of the reading frame. This variant has not been reported in the literature in individuals affected with WNK1-related conditions. In summary, the available evidence is currently insufficient to determine the role of this variant in disease. Therefore, it has been classified as a Variant of Uncertain Significance.

NM_213655.5(WNK1):c.2208_2225dup (p.His742_Pro743insLeuProValLeuPheHis)

Gene: WNK1 (WNK lysine deficient protein kinase 1; plus strand). Cytogenetic location: 12p13.33.
Variant type: Duplication.
Coding change: c.2208_2225dup on transcript NM_213655.5 (MANE Plus Clinical); coding-DNA positions 2208 to 2225, 18 bases duplicated (TCTCCCAGTGCTCTTCCA).
Protein change: p.His742_Pro743insLeuProValLeuPheHis.
Molecular consequence: inframe insertion. On other transcripts: intron variant (3).
Genome position (GRCh38, 1-based): chr12:865,178-865,195, TCTCCCAGTGCTCTTCCA duplicated. VCF-style (leftmost placement, unchanged base first): chr12-865177-C-CTCTCCCAGTGCTCTTCCA. GRCh37 (hg19) VCF-style: chr12-974343-C-CTCTCCCAGTGCTCTTCCA.
Other names: c.2140-2688_2140-2671dup (NM_001184985.2); c.2139+2908_2139+2925dup (NM_018979.4, NM_014823.3).
Identifiers: ClinVar variation 2953154 (VCV002953154.3), dbSNP rs1392602768, ClinGen allele CA603036561.
Genomic context (GRCh38, chr12:865,177, plus strand): 5'-GTGGCCGTAGCATGTCGGTTTGTGTTCCCATCTTTCTGCTGTTGCCTCTGTGTCCCGCAT[C>CTCTCCCAGTGCTCTTCCA]TCTCCCAGTGCTCTTCCACCCCACCGCCAGTACTGTCTGCACCTCTTTCTCCTTCCCTCC-3'